The following is an entry in ClinVar:

NM_002875.5(RAD51):c.478A>G (p.Ile160Val)

Gene: RAD51 (RAD51 recombinase; plus strand). Cytogenetic location: 15q15.1.
Variant type: single nucleotide variant.
Coding change: c.478A>G on transcript NM_002875.5 (MANE Select); coding-DNA position 478, A replaced by G.
Protein change: p.Ile160Val; replaces isoleucine 160 with valine.
Molecular consequence: missense variant.
Genome position (GRCh38, 1-based): chr15:40,718,847, A>G. VCF-style: chr15-40718847-A-G. GRCh37 (hg19) VCF-style: chr15-41011045-A-G.
Other names: c.481A>G, p.Ile161Val (NM_001164269.2, NM_133487.4); c.478A>G, p.Ile160Val (NM_001164270.2); c.481A>G (NM_001164269.1); short protein forms I160V, I161V.
Identifiers: ClinVar variation 1743081 (VCV001743081.4), dbSNP rs752492487, ClinGen allele CA7484026.

ClinVar aggregate classification (germline): Uncertain significance. Review status: criteria provided, multiple submitters, no conflicts (2 of 4 stars). 3 submissions from 3 submitters: Uncertain significance (3). Last evaluated 2025-07-08.

Conditions:
Inborn genetic diseases. Identifiers: MedGen C0950123, MeSH D030342.
RAD51-related disorder. Also called: RAD51-related disorders; RAD51-related condition.

Allele frequency attached by ClinVar (database versions not stated): gnomAD exomes below 0.00001; gnomAD 0.00001; TOPMed below 0.00001; ExAC 0.00001.
gnomAD v4.1: 5 of 1,613,658 alleles (0.00031%); highest among the groups gnomAD compares: African/African-American, 0.0013%; no homozygotes.

Submissions (3):

Labcorp Genetics (formerly Invitae), Labcorp
Classification: Uncertain significance. Last evaluated: 2025-07-08. Review status: criteria provided, single submitter. Criteria: Invitae Variant Classification Sherloc (09022015). Collection method: clinical testing. Allele origin: germline.
Comment: This sequence change replaces isoleucine, which is neutral and non-polar, with valine, which is neutral and non-polar, at codon 160 of the RAD51 protein (p.Ile160Val). This variant is present in population databases (rs752492487, gnomAD 0.0009%). This variant has not been reported in the literature in individuals affected with RAD51-related conditions. ClinVar contains an entry for this variant (Variation ID: 1743081). Invitae Evidence Modeling of protein sequence and biophysical properties (such as structural, functional, and spatial information, amino acid conservation, physicochemical variation, residue mobility, and thermodynamic stability) indicates that this missense variant is not expected to disrupt RAD51 protein function with a negative predictive value of 80%. In summary, the available evidence is currently insufficient to determine the role of this variant in disease. Therefore, it has been classified as a Variant of Uncertain Significance.

Ambry Genetics
Classification: Uncertain significance for Inborn genetic diseases. Last evaluated: 2024-02-28. Review status: criteria provided, single submitter. Criteria: Ambry Variant Classification Scheme 2023. Collection method: clinical testing. Allele origin: germline.
Comment: The p.I160V variant (also known as c.478A>G), located in coding exon 5 of the RAD51 gene, results from an A to G substitution at nucleotide position 478. The isoleucine at codon 160 is replaced by valine, an amino acid with highly similar properties. This amino acid position is conserved. In addition, this alteration is predicted to be tolerated by in silico analysis. Since supporting evidence is limited at this time, the clinical significance of this alteration remains unclear.

PreventionGenetics, part of Exact Sciences
Classification: Uncertain significance for RAD51-related condition. Last evaluated: 2023-08-18. Review status: criteria provided, single submitter. Criteria: ACMG Guidelines, 2015. Collection method: clinical testing. Allele origin: germline.
Comment: The RAD51 c.481A>G variant is predicted to result in the amino acid substitution p.Ile161Val. To our knowledge, this variant has not been reported in the literature. This variant is reported in 0.00088% of alleles in individuals of European (Non-Finnish) descent in gnomAD. At this time, the clinical significance of this variant is uncertain due to the absence of conclusive functional and genetic evidence.